The following is an entry in ClinVar:

NM_020778.5(ALPK3):c.2795G>A (p.Ser932Asn)

Gene: ALPK3 (alpha kinase 3; plus strand). Cytogenetic location: 15q25.3.
Variant type: single nucleotide variant.
Coding change: c.2795G>A on transcript NM_020778.5 (MANE Select); coding-DNA position 2795, G replaced by A.
Protein change: p.Ser932Asn; replaces serine 932 with asparagine.
Molecular consequence: missense variant.
Genome position (GRCh38, 1-based): chr15:84,857,533, G>A. VCF-style: chr15-84857533-G-A. GRCh37 (hg19) VCF-style: chr15-85400764-G-A.
Other names: short protein forms S932N.
Identifiers: ClinVar variation 3638631 (VCV003638631.2).
Genomic context (GRCh38, chr15:84,857,533, plus strand): 5'-TGCACCTGGGGCTGGGGACCCCCACTCAGAGTCACCCACCAGAAACCATGGCCACCAGCA[G>A]TGAGGGGGCCTGCGCCCAGGTACCAGATGTGGAGGGGCGGACCCCAGGTCCCCGGAGCTG-3'
Protein context (NP_065829.4, residues 922-942): SHPPETMATS[Ser932Asn]EGACAQVPDV

ClinVar aggregate classification (germline): Uncertain significance (1 of 4 stars; one submission).

gnomAD v4.1: 1 of 1,592,376 alleles (0.000063%); highest among the groups gnomAD compares: South Asian, 0.0011%; no homozygotes.

Submission:

Labcorp Genetics (formerly Invitae), Labcorp
Classification: Uncertain significance. Last evaluated: 2024-02-03. Review status: criteria provided, single submitter. Criteria: Invitae Variant Classification Sherloc (09022015). Collection method: clinical testing. Allele origin: germline.
Comment: This sequence change replaces serine, which is neutral and polar, with asparagine, which is neutral and polar, at codon 1134 of the ALPK3 protein (p.Ser1134Asn). This variant is present in population databases (rs752515274, gnomAD 0.004%). This variant has not been reported in the literature in individuals affected with ALPK3-related conditions. Algorithms developed to predict the effect of missense changes on protein structure and function output the following: SIFT: "Not Available"; PolyPhen-2: "Benign"; Align-GVGD: "Not Available". The asparagine amino acid residue is found in multiple mammalian species, which suggests that this missense change does not adversely affect protein function. In summary, the available evidence is currently insufficient to determine the role of this variant in disease. Therefore, it has been classified as a Variant of Uncertain Significance.